The following is an entry in ClinVar:

NM_198576.4(AGRN):c.2134G>A (p.Val712Ile)

Gene: AGRN (agrin; plus strand). Cytogenetic location: 1p36.33.
Variant type: single nucleotide variant.
Coding change: c.2134G>A on transcript NM_198576.4 (MANE Select); coding-DNA position 2134, G replaced by A.
Protein change: p.Val712Ile; replaces valine 712 with isoleucine.
Molecular consequence: missense variant.
Genome position (GRCh38, 1-based): chr1:1,044,243, G>A. VCF-style: chr1-1044243-G-A. GRCh37 (hg19) VCF-style: chr1-979623-G-A.
Other names: c.2134G>A, p.Val712Ile (NM_001305275.2); c.1819G>A, p.Val607Ile (NM_001364727.2); short protein forms V712I, V607I.
Identifiers: ClinVar variation 569580 (VCV000569580.9), dbSNP rs745652394, ClinGen allele CA508473.

ClinVar aggregate classification (germline): Uncertain significance. Review status: criteria provided, multiple submitters, no conflicts (2 of 4 stars). 2 submissions from 2 submitters: Uncertain significance (2). Last evaluated 2025-11-24.

Conditions:
Congenital myasthenic syndrome 8. Also called: MYASTHENIC SYNDROME, CONGENITAL, DUE TO AGRIN DEFICIENCY; Myasthenic syndrome, congenital, 8, with pre- and postsynaptic defects. Identifiers: Orphanet 590, MedGen C3808739, MONDO:0014052, OMIM 615120.
Inborn genetic diseases. Identifiers: MedGen C0950123, MeSH D030342.

Allele frequency attached by ClinVar (database versions not stated): ExAC 0.00002; gnomAD exomes below 0.00001 and 0.00001.
gnomAD v4.1: 4 of 1,612,918 alleles (0.00025%); highest among the groups gnomAD compares: South Asian, 0.0011%; no homozygotes.

Submissions (2):

Ambry Genetics
Classification: Uncertain significance for Inborn genetic diseases. Last evaluated: 2025-11-24. Review status: criteria provided, single submitter. Criteria: Ambry Variant Classification Scheme 2023. Collection method: clinical testing. Allele origin: germline.

Labcorp Genetics (formerly Invitae), Labcorp
Classification: Uncertain significance for Congenital myasthenic syndrome 8. Last evaluated: 2023-08-24. Review status: criteria provided, single submitter. Criteria: Invitae Variant Classification Sherloc (09022015). Collection method: clinical testing. Allele origin: germline.
Comment: This variant is present in population databases (rs745652394, gnomAD 0.006%). In summary, the available evidence is currently insufficient to determine the role of this variant in disease. Therefore, it has been classified as a Variant of Uncertain Significance. Algorithms developed to predict the effect of missense changes on protein structure and function output the following: SIFT: "Not Available"; PolyPhen-2: "Possibly Damaging"; Align-GVGD: "Not Available". The isoleucine amino acid residue is found in multiple mammalian species, which suggests that this missense change does not adversely affect protein function. ClinVar contains an entry for this variant (Variation ID: 569580). This variant has not been reported in the literature in individuals affected with AGRN-related conditions. This sequence change replaces valine, which is neutral and non-polar, with isoleucine, which is neutral and non-polar, at codon 712 of the AGRN protein (p.Val712Ile).